The following is an entry in ClinVar:

ClinVar aggregate classification (germline): Uncertain significance (1 of 4 stars; one submission).

Submission:

GeneDx
Classification: Uncertain significance. Last evaluated: 2023-02-24. Review status: criteria provided, single submitter. Criteria: GeneDx Variant Classification Process June 2021. Collection method: clinical testing. Allele origin: germline. Affected: yes.
Comment: Not observed at significant frequency in large population cohorts (gnomAD); In silico analysis supports that this missense variant does not alter protein structure/function; Has not been previously published as pathogenic or benign to our knowledge

NM_018896.5(CACNA1G):c.5458A>T (p.Thr1820Ser)

Gene: CACNA1G (calcium voltage-gated channel subunit alpha1 G; plus strand). Cytogenetic location: 17q21.33.
Variant type: single nucleotide variant.
Coding change: c.5458A>T on transcript NM_018896.5 (MANE Select); coding-DNA position 5458, A replaced by T.
Protein change: p.Thr1820Ser; replaces threonine 1820 with serine.
Molecular consequence: missense variant. On other transcripts: non-coding transcript variant (5).
Genome position (GRCh38, 1-based): chr17:50,618,685, A>T. VCF-style: chr17-50618685-A-T. GRCh37 (hg19) VCF-style: chr17-48696046-A-T.
Other names: c.5404A>T, p.Thr1802Ser (NM_001256324.2, NM_198386.3); c.5479A>T, p.Thr1827Ser (NM_001256325.2); c.5323A>T, p.Thr1775Ser (NM_001256326.2, NM_001256330.2); c.5437A>T, p.Thr1813Ser (NM_001256327.2); c.5383A>T, p.Thr1795Ser (NM_001256328.2); c.5356A>T, p.Thr1786Ser (NM_001256329.2, NM_198376.3, NM_198379.3 and 2 more transcripts); c.5302A>T, p.Thr1768Ser (NM_001256331.2); c.5287A>T, p.Thr1763Ser (NM_001256332.2); and 7 more; short protein forms T1763S, T1768S, T1775S, T1779S, T1782S, T1784S, T1786S, T1793S.
Identifiers: ClinVar variation 2577552 (VCV002577552.1), dbSNP rs1598750014, ClinGen allele CA400264896.
Genomic context (GRCh38, chr17:50,618,685, plus strand): 5'-AGCCTCACCCCTCTATTCCACCCTCCCCAGGACACCCTCCGGGACTGTGACCAGGAGTCC[A>T]CCTGCTACAACACGGTCATCTCGCCTATCTACTTTGTGTCCTTCGTGCTGACGGCCCAGT-3'
Protein context (NP_061496.2, residues 1810-1830): DTLRDCDQES[Thr1820Ser]CYNTVISPIY